The following is an entry in ClinVar:

ClinVar aggregate classification (germline): Uncertain significance. Review status: criteria provided, single submitter (1 of 4 stars). 2 submissions from 2 submitters: Uncertain significance (1). 1 of the submissions does not count toward it. Last evaluated 2023-06-29.

Conditions:
Emery-Dreifuss muscular dystrophy 4, autosomal dominant (EDMD4). Also called: EMERY-DREIFUSS MUSCULAR DYSTROPHY 4 WITH VARIABLE FEATURES. Identifiers: Orphanet 261, MedGen C2751807, MONDO:0013071, OMIM 612998.
Autosomal recessive ataxia, Beauce type. Also called: Spinocerebellar ataxia, autosomal recessive 8; ATAXIA, RECESSIVE, OF BEAUCE; SYNE1-Related Autosomal Recessive Cerebellar Ataxia; SYNE1 Deficiency. Identifiers: Orphanet 88644, MedGen C1853116, MONDO:0012549, OMIM 610743.
SYNE1-related disorder. Also called: SYNE1-related disease; SYNE1-related condition; SYNE1-related disorders.

Allele frequency attached by ClinVar (database versions not stated): gnomAD exomes below 0.00001.
gnomAD v4.1: 2 of 1,614,162 alleles (0.00012%); highest among the groups gnomAD compares: Admixed American, 0.0033%; no homozygotes.

Submissions (2):

Labcorp Genetics (formerly Invitae), Labcorp
Classification: Uncertain significance for Emery-Dreifuss muscular dystrophy 4, autosomal dominant; Autosomal recessive ataxia, Beauce type. Last evaluated: 2023-06-29. Review status: criteria provided, single submitter. Criteria: Invitae Variant Classification Sherloc (09022015). Collection method: clinical testing. Allele origin: germline.
Comment: In summary, the available evidence is currently insufficient to determine the role of this variant in disease. Therefore, it has been classified as a Variant of Uncertain Significance. An algorithm developed to predict the effect of missense changes on protein structure and function (PolyPhen-2) suggests that this variant¬¨‚Ä†is likely to be tolerated. ClinVar contains an entry for this variant (Variation ID: 652483). This variant has not been reported in the literature in individuals affected with SYNE1-related conditions. This variant is present in population databases (no rsID available, gnomAD 0.003%). This sequence change replaces glutamine, which is neutral and polar, with glutamic acid, which is acidic and polar, at codon 2475 of the SYNE1 protein (p.Gln2475Glu).

PreventionGenetics, part of Exact Sciences
Classification: Uncertain significance for SYNE1-related condition. Last evaluated: 2024-03-29. Review status: no assertion criteria provided. Collection method: clinical testing. Allele origin: germline. Not counted in ClinVar's aggregate classification.
Comment: The SYNE1 c.7423C>G variant is predicted to result in the amino acid substitution p.Gln2475Glu. To our knowledge, this variant has not been reported in the literature. This variant is reported in 0.0029% of alleles in individuals of Latino descent in gnomAD. At this time, the clinical significance of this variant is uncertain due to the absence of conclusive functional and genetic evidence.

NM_182961.4(SYNE1):c.7402C>G (p.Gln2468Glu)

Gene: SYNE1 (spectrin repeat containing nuclear envelope protein 1; minus strand). Cytogenetic location: 6q25.2.
Variant type: single nucleotide variant.
Coding change: c.7402C>G on transcript NM_182961.4 (MANE Select); coding-DNA position 7402, C replaced by G.
Protein change: p.Gln2468Glu; replaces glutamine 2468 with glutamic acid.
Molecular consequence: missense variant.
Genome position (GRCh38, 1-based): chr6:152,396,929, G>C on the plus strand (C>G on the coding strand, the complement: SYNE1 is on the minus strand). VCF-style: chr6-152396929-G-C. GRCh37 (hg19) VCF-style: chr6-152718064-G-C.
Other names: c.7423C>G, p.Gln2475Glu (NM_033071.5); short protein forms Q2468E, Q2475E.
Identifiers: ClinVar variation 652483 (VCV000652483.10), dbSNP rs1384323646, ClinGen allele CA366113875.